The following is an entry in ClinVar:

ClinVar aggregate classification (germline): Uncertain significance. Review status: criteria provided, multiple submitters, no conflicts (2 of 4 stars). 4 submissions from 4 submitters: Uncertain significance (4). Last evaluated 2023-08-18.

Conditions:
Hypertrophic cardiomyopathy 26. Also called: Cardiomyopathy, familial hypertrophic, 26. Identifiers: Orphanet 75249, MedGen C4310749, MONDO:0014883, OMIM 617047.
Myofibrillar myopathy 5. Also called: Filaminopathy (type); FILAMINOPATHY, AUTOSOMAL DOMINANT. Identifiers: Orphanet 171445, MedGen C1836050, MONDO:0012289, OMIM 609524.
Distal myopathy with posterior leg and anterior hand involvement. Also called: WILLIAMS DISTAL MYOPATHY. Identifiers: Orphanet 63273, MedGen C3279722, MONDO:0013550, OMIM 614065.
Cardiovascular phenotype. Identifiers: MedGen CN230736.

Allele frequency attached by ClinVar (database versions not stated): TOPMed 0.00001.
gnomAD v4.1: 3 of 1,536,222 alleles (0.0002%); highest among the groups gnomAD compares: African/African-American, 0.0042%; no homozygotes.

Submissions (4):

Blueprint Genetics
Classification: Uncertain significance. Last evaluated: 2023-08-18. Review status: criteria provided, single submitter. Criteria: ACMG Guidelines, 2015. Collection method: clinical testing. Allele origin: germline.

Ambry Genetics
Classification: Uncertain significance for Cardiovascular phenotype. Last evaluated: 2023-06-22. Review status: criteria provided, single submitter. Criteria: Ambry Variant Classification Scheme 2023. Collection method: clinical testing. Allele origin: germline.
Comment: The p.A403E variant (also known as c.1208C>A), located in coding exon 7 of the FLNC gene, results from a C to A substitution at nucleotide position 1208. The alanine at codon 403 is replaced by glutamic acid, an amino acid with dissimilar properties. This amino acid position is conserved. In addition, this alteration is predicted to be deleterious by in silico analysis. Since supporting evidence is limited at this time, the clinical significance of this alteration remains unclear.

GeneDx
Classification: Uncertain significance. Last evaluated: 2023-06-02. Review status: criteria provided, single submitter. Criteria: GeneDx Variant Classification Process June 2021. Collection method: clinical testing. Allele origin: germline. Affected: yes.
Comment: Has not been previously published as pathogenic or benign to our knowledge; Not observed at significant frequency in large population cohorts (gnomAD); In silico analysis supports that this missense variant has a deleterious effect on protein structure/function

Labcorp Genetics (formerly Invitae), Labcorp
Classification: Uncertain significance for Distal myopathy with posterior leg and anterior hand involvement; Myofibrillar myopathy 5; Hypertrophic cardiomyopathy 26. Last evaluated: 2022-07-13. Review status: criteria provided, single submitter. Criteria: Invitae Variant Classification Sherloc (09022015). Collection method: clinical testing. Allele origin: germline.
Comment: In summary, the available evidence is currently insufficient to determine the role of this variant in disease. Therefore, it has been classified as a Variant of Uncertain Significance. Algorithms developed to predict the effect of missense changes on protein structure and function are either unavailable or do not agree on the potential impact of this missense change (SIFT: "Deleterious"; PolyPhen-2: "Probably Damaging"; Align-GVGD: "Class C0"). ClinVar contains an entry for this variant (Variation ID: 1003712). This variant has not been reported in the literature in individuals affected with FLNC-related conditions. This variant is present in population databases (no rsID available, gnomAD 0.01%). This sequence change replaces alanine, which is neutral and non-polar, with glutamic acid, which is acidic and polar, at codon 403 of the FLNC protein (p.Ala403Glu).

NM_001458.5(FLNC):c.1208C>A (p.Ala403Glu)

Gene: FLNC (filamin C; plus strand). Cytogenetic location: 7q32.1.
Variant type: single nucleotide variant.
Coding change: c.1208C>A on transcript NM_001458.5 (MANE Select); coding-DNA position 1208, C replaced by A.
Protein change: p.Ala403Glu; replaces alanine 403 with glutamic acid.
Molecular consequence: missense variant.
Genome position (GRCh38, 1-based): chr7:128,838,427, C>A. VCF-style: chr7-128838427-C-A. GRCh37 (hg19) VCF-style: chr7-128478481-C-A.
Other names: c.1208C>A (NM_001458.4); c.1208C>A, p.Ala403Glu (NM_001127487.2); short protein forms A403E.
Identifiers: ClinVar variation 1003712 (VCV001003712.15), dbSNP rs777199447, ClinGen allele CA369224335.